The following is an entry in ClinVar:

NM_001384140.1(PCDH15):c.2751+192G>T

Gene: PCDH15 (protocadherin related 15; minus strand). Cytogenetic location: 10q21.1.
Variant type: single nucleotide variant.
Coding change: c.2751+192G>T on transcript NM_001384140.1 (MANE Select); 192 bases into the intron after coding-DNA position 2751, G replaced by T.
Molecular consequence: intron variant.
Genome position (GRCh38, 1-based): chr10:54,020,000, C>A on the plus strand (G>T on the coding strand, the complement: PCDH15 is on the minus strand). VCF-style: chr10-54020000-C-A. GRCh37 (hg19) VCF-style: chr10-55779760-C-A.
Other names: c.2751+192G>T (NM_001354420.2, NM_001354429.2, NM_001142772.2 and 5 more transcripts); c.2766+192G>T (NM_001142771.2, NM_001142763.2); c.2772+192G>T (NM_001354411.2); c.2787+192G>T (NM_001142769.3); c.2685+192G>T (NM_001354404.2, NM_001142773.2, NM_001142768.2); c.2640+192G>T (NM_001142767.2); c.2538+192G>T (NM_001142765.2).
Identifiers: ClinVar variation 678855 (VCV000678855.1), dbSNP rs2891497, ClinGen allele CA207198096.
Genomic context (GRCh38, chr10:54,020,000, plus strand): 5'-GATGCAGACTCAAATTTCCATGGTCTTTGTACACATATTTACTGCCTCTTTCAAATTTAT[C>A]TTTTATAGTCAAAAATATAGTTATTTCTTATGTATTCATAAATATTTCCATTGGAAAATC-3'

ClinVar aggregate classification (germline): Benign (1 of 4 stars; one submission).

Allele frequency attached by ClinVar (database versions not stated): 1000 Genomes Project 0.46006; 1000 Genomes Project 30x 0.46268; gnomAD 0.59577 and 0.59092; TOPMed 0.58624.
gnomAD v4.1: 89,913 of 151,878 alleles (59%); highest among the groups gnomAD compares: Non-Finnish European, 74%; 29,459 homozygotes.

Submission:

GeneDx
Classification: Benign. Last evaluated: 2018-06-14. Review status: criteria provided, single submitter. Criteria: GeneDx Variant Classification (06012015). Collection method: clinical testing. Allele origin: germline. Affected: yes.
Comment: This variant is considered likely benign or benign based on one or more of the following criteria: it is a conservative change, it occurs at a poorly conserved position in the protein, it is predicted to be benign by multiple in silico algorithms, and/or has population frequency not consistent with disease.